The following is an entry in ClinVar:

ClinVar aggregate classification (germline): Uncertain significance (1 of 4 stars; one submission).

Conditions:
Pityriasis rubra pilaris (PRP). Also called: Pityriasis rubra pilaris--familial type. Identifiers: Orphanet 2897, MedGen C0032027, MONDO:0100017, OMIM 173200, MONDO:0008251.
Psoriasis 2. Identifiers: MedGen C1864497, MONDO:0011269, OMIM 602723.

Submission:

Labcorp Genetics (formerly Invitae), Labcorp
Classification: Uncertain significance for Pityriasis rubra pilaris; Psoriasis 2. Last evaluated: 2024-08-08. Review status: criteria provided, single submitter. Criteria: Invitae Variant Classification Sherloc (09022015). Collection method: clinical testing. Allele origin: germline.
Comment: This sequence change replaces glutamine, which is neutral and polar, with proline, which is neutral and non-polar, at codon 154 of the CARD14 protein (p.Gln154Pro). This variant is not present in population databases (gnomAD no frequency). This variant has not been reported in the literature in individuals affected with CARD14-related conditions. Advanced modeling of protein sequence and biophysical properties (such as structural, functional, and spatial information, amino acid conservation, physicochemical variation, residue mobility, and thermodynamic stability) performed at Invitae indicates that this missense variant is expected to disrupt CARD14 protein function with a positive predictive value of 80%. In summary, the available evidence is currently insufficient to determine the role of this variant in disease. Therefore, it has been classified as a Variant of Uncertain Significance.

NM_001366385.1(CARD14):c.461A>C (p.Gln154Pro)

Gene: CARD14 (caspase recruitment domain family member 14; plus strand). Cytogenetic location: 17q25.3.
Variant type: single nucleotide variant.
Coding change: c.461A>C on transcript NM_001366385.1 (MANE Select); coding-DNA position 461, A replaced by C.
Protein change: p.Gln154Pro; replaces glutamine 154 with proline.
Molecular consequence: missense variant. On other transcripts: non-coding transcript variant (1).
Genome position (GRCh38, 1-based): chr17:80,184,024, A>C. VCF-style: chr17-80184024-A-C. GRCh37 (hg19) VCF-style: chr17-78157823-A-C.
Other names: c.461A>C, p.Gln154Pro (NM_001257970.1, NM_024110.4); short protein forms Q154P.
Identifiers: ClinVar variation 3757597 (VCV003757597.2).